The following is an entry in ClinVar:

ClinVar aggregate classification (germline): Uncertain significance (1 of 4 stars; one submission).

Submission:

GeneDx
Classification: Uncertain significance. Last evaluated: 2023-04-29. Review status: criteria provided, single submitter. Criteria: GeneDx Variant Classification Process June 2021. Collection method: clinical testing. Allele origin: germline. Affected: yes.
Comment: Not observed at significant frequency in large population cohorts (gnomAD); In silico analysis supports that this missense variant has a deleterious effect on protein structure/function; Has not been previously published as pathogenic or benign to our knowledge

NM_001372044.2(SHANK3):c.2188A>G (p.Asn730Asp)

Gene: SHANK3 (SH3 and multiple ankyrin repeat domains 3; plus strand). Cytogenetic location: 22q13.33.
Variant type: single nucleotide variant.
Coding change: c.2188A>G on transcript NM_001372044.2 (MANE Select); coding-DNA position 2188, A replaced by G.
Protein change: p.Asn730Asp; replaces asparagine 730 with aspartic acid.
Molecular consequence: missense variant.
Genome position (GRCh38, 1-based): chr22:50,705,030, A>G. VCF-style: chr22-50705030-A-G. GRCh37 (hg19) VCF-style: chr22-51143458-A-G.
Other names: c.1963A>G (NM_033517.1); short protein forms N730D.
Identifiers: ClinVar variation 3343194 (VCV003343194.1).
Genomic context (GRCh38, chr22:50,705,030, plus strand): 5'-GGGGTGAACGTGGTGAAGGTCGGACACAAGCAGGTGGTGGCTCTGATTCGCCAGGGTGGC[A>G]ACCGCCTCGTCATGAAGGTTGTGTCTGTGACAAGGAAGCCAGAAGAGGACGGGGCTCGGC-3'
Protein context (NP_001358973.1, residues 720-740): QVVALIRQGG[Asn730Asp]RLVMKVVSVT